The following is an entry in ClinVar:

NM_181486.4(TBX5):c.269A>G (p.Lys90Arg)

Gene: TBX5 (T-box transcription factor 5; minus strand). Cytogenetic location: 12q24.21.
Variant type: single nucleotide variant.
Coding change: c.269A>G on transcript NM_181486.4 (MANE Select); coding-DNA position 269, A replaced by G.
Protein change: p.Lys90Arg; replaces lysine 90 with arginine.
Molecular consequence: missense variant.
Genome position (GRCh38, 1-based): chr12:114,399,606, T>C on the plus strand (A>G on the coding strand, the complement: TBX5 is on the minus strand). VCF-style: chr12-114399606-T-C. GRCh37 (hg19) VCF-style: chr12-114837411-T-C.
Other names: c.269A>G, p.Lys90Arg (NM_000192.3); c.119A>G, p.Lys40Arg (NM_080717.4); short protein forms K40R, K90R.
Identifiers: ClinVar variation 3804939 (VCV003804939.1).
Genomic context (GRCh38, chr12:114,399,606, plus strand): 5'-TCGGCAGGTACAATGTCCATGAGAAGAATGTACTTCGTTTTGGGATTAAGGCCCGTCACC[T>C]TCACTTTGTAACTGGGAAACATCCGCCTAAGAGAGAGGGACGGAGGGAGAGAGGGGGGCG-3'
Protein context (NP_852259.1, residues 80-100): GRRMFPSYKV[Lys90Arg]VTGLNPKTKY

ClinVar aggregate classification (germline): Uncertain significance (1 of 4 stars; one submission).

Conditions:
Cardiovascular phenotype. Identifiers: MedGen CN230736.

gnomAD v4.1: 3 of 1,614,016 alleles (0.00019%); highest among the groups gnomAD compares: Non-Finnish European, 0.00025%; no homozygotes.

Submission:

Ambry Genetics
Classification: Uncertain significance for Cardiovascular phenotype. Last evaluated: 2025-02-27. Review status: criteria provided, single submitter. Criteria: Ambry Variant Classification Scheme 2023. Collection method: clinical testing. Allele origin: germline.
Comment: The p.K90R variant (also known as c.269A>G), located in coding exon 3 of the TBX5 gene, results from an A to G substitution at nucleotide position 269. The lysine at codon 90 is replaced by arginine, an amino acid with highly similar properties. This amino acid position is conserved. In addition, the in silico prediction for this alteration is inconclusive. Based on the available evidence, the clinical significance of this variant remains unclear.